The following is an entry in ClinVar:

NM_004526.4(MCM2):c.1236+6T>C

Gene: MCM2 (minichromosome maintenance complex component 2; plus strand). Cytogenetic location: 3q21.3.
Variant type: single nucleotide variant.
Coding change: c.1236+6T>C on transcript NM_004526.4 (MANE Select); 6 bases into the intron after coding-DNA position 1236, T replaced by C.
Molecular consequence: intron variant.
Genome position (GRCh38, 1-based): chr3:127,608,522, T>C. VCF-style: chr3-127608522-T-C. GRCh37 (hg19) VCF-style: chr3-127327365-T-C.
Identifiers: ClinVar variation 1432863 (VCV001432863.6), dbSNP rs200726922, ClinGen allele CA2595826.
Genomic context (GRCh38, chr3:127,608,522, plus strand): 5'-GGACGCCATTCTCCTCGCAGATCTGGTGGACAGCTGCAAGCCAGGAGACGAGATAGTAAG[T>C]GGCCGGGGCAGGCTGGGAGGGAGCCAAGTTGCAGAGGGAACTGGCAGAAGCAGTTGTGGC-3'

ClinVar aggregate classification (germline): Uncertain significance (1 of 4 stars; one submission).

Allele frequency attached by ClinVar (database versions not stated): gnomAD exomes 0.00008 and 0.00014; ExAC 0.00009; TOPMed 0.00011; gnomAD 0.00012 and 0.00013.
gnomAD v4.1: 214 of 1,613,888 alleles (0.013%); highest among the groups gnomAD compares: Non-Finnish European, 0.018%; no homozygotes.

Submission:

Labcorp Genetics (formerly Invitae), Labcorp
Classification: Uncertain significance. Last evaluated: 2025-09-18. Review status: criteria provided, single submitter. Criteria: Invitae Variant Classification Sherloc (09022015). Collection method: clinical testing. Allele origin: germline.
Comment: This sequence change falls in intron 7 of the MCM2 gene. It does not directly change the encoded amino acid sequence of the MCM2 protein. It affects a nucleotide within the consensus splice site. This variant is present in population databases (rs200726922, gnomAD 0.02%). This variant has not been reported in the literature in individuals affected with MCM2-related conditions. ClinVar contains an entry for this variant (Variation ID: 1432863). Variants that disrupt the consensus splice site are a relatively common cause of aberrant splicing (PMID: 17576681, 9536098). Algorithms developed to predict the effect of sequence changes on RNA splicing suggest that this variant is not likely to affect RNA splicing. In summary, the available evidence is currently insufficient to determine the role of this variant in disease. Therefore, it has been classified as a Variant of Uncertain Significance.

Literature cited by the submitters: PubMed 17576681; PubMed 9536098.